The following is an entry in ClinVar:

ClinVar aggregate classification (germline): Uncertain significance. Review status: criteria provided, multiple submitters, no conflicts (2 of 4 stars). 2 submissions from 2 submitters: Uncertain significance (2). Last evaluated 2025-01-23.

Conditions:
Primary ciliary dyskinesia 12. Also called: CILIARY DYSKINESIA, PRIMARY, 12, WITHOUT SITUS INVERSUS. Identifiers: Orphanet 244, MedGen C2675228, MONDO:0012979, OMIM 612650.

gnomAD v4.1: 2 of 1,612,742 alleles (0.00012%); highest among the groups gnomAD compares: South Asian, 0.0022%; no homozygotes.

Submissions (2):

MVZ Medizinische Genetik Mainz
Classification: Uncertain significance for Primary ciliary dyskinesia 12. Last evaluated: 2025-01-23. Review status: criteria provided, single submitter. Criteria: UK Practice Guidelines For Variant Classification V4 01 2020. Collection method: clinical testing. Allele origin: germline. Inheritance: Autosomal recessive inheritance. Affected: yes. Observed: 1 variant allele.
Comment: ACMG Criteria: PM2_SUP,PM3_SUP,PP3,PP4

Blueprint Genetics
Classification: Uncertain significance. Last evaluated: 2021-03-29. Review status: criteria provided, single submitter. Criteria: ACMG Guidelines, 2015. Collection method: clinical testing. Allele origin: germline.

NM_152732.5(RSPH9):c.228-10T>G

Gene: RSPH9 (radial spoke head component 9; plus strand). Cytogenetic location: 6p21.1.
Variant type: single nucleotide variant.
Coding change: c.228-10T>G on transcript NM_152732.5 (MANE Select); 10 bases into the intron before coding-DNA position 228, T replaced by G.
Molecular consequence: intron variant.
Genome position (GRCh38, 1-based): chr6:43,650,365, T>G. VCF-style: chr6-43650365-T-G. GRCh37 (hg19) VCF-style: chr6-43618102-T-G.
Other names: c.228-10T>G (NM_001424119.1, NM_001193341.2, NM_001424120.1 and 1 more transcripts).
Identifiers: ClinVar variation 3764784 (VCV003764784.2).
Genomic context (GRCh38, chr6:43,650,365, plus strand): 5'-AGGGAAGATAATAGGAATAGTGGGTGAGAAGGGAGTTGGAATCCAGGGGTGATGTGAATA[T>G]TGTTGGCAGCCTGAACTGCACAGAGTGGAGCCTCTTGCCCCCTGCCACAGAGGAGATGGT-3'